The following is an entry in ClinVar:

NM_001384732.1(CPLANE1):c.1872C>T (p.Ser624=)

Gene: CPLANE1 (ciliogenesis and planar polarity effector complex subunit 1; minus strand). Cytogenetic location: 5p13.2.
Variant type: single nucleotide variant.
Coding change: c.1872C>T on transcript NM_001384732.1 (MANE Select); coding-DNA position 1872, C replaced by T.
Protein change: p.Ser624=; no amino-acid change (serine 624 retained).
Molecular consequence: synonymous variant.
Genome position (GRCh38, 1-based): chr5:37,226,723, G>A on the plus strand (C>T on the coding strand, the complement: CPLANE1 is on the minus strand). VCF-style: chr5-37226723-G-A. GRCh37 (hg19) VCF-style: chr5-37226825-G-A.
Other names: c.1872C>T, p.Ser624= (NM_023073.4).
Identifiers: ClinVar variation 353459 (VCV000353459.38), dbSNP rs886060582, ClinGen allele CA10624691.
Genomic context (GRCh38, chr5:37,226,723, plus strand): 5'-TAAACACTGATGAAAAAGTTGAAAGATACAAAGTATCCATGCATTATGTCTTGAGCTTTT[G>A]CTTAAAACAAGATCAAGTTTAGGAAAAGGACATTTTATAAATTGAAGAATGTAAAAAAAA-3'
Protein context (NP_001371661.1, residues 614-634): CPFPKLDLVL[Ser624=]KSSRHNAWIL

ClinVar aggregate classification (germline): Conflicting classifications of pathogenicity. Review status: criteria provided, conflicting classifications (1 of 4 stars). 4 submissions from 4 submitters: Uncertain significance (1); Likely benign (3). Last evaluated 2026-01-09.

Conditions:
Joubert syndrome 17 (JBTS17). Identifiers: Orphanet 475, MedGen C3553264, MONDO:0013824, OMIM 614615.

Allele frequency attached by ClinVar (database versions not stated): gnomAD exomes 0.00008; gnomAD 0.00011; TOPMed 0.00012.
gnomAD v4.1: 215 of 1,544,860 alleles (0.014%); highest among the groups gnomAD compares: Non-Finnish European, 0.018%; no homozygotes.

Submissions (4):

Labcorp Genetics (formerly Invitae), Labcorp
Classification: Likely benign. Last evaluated: 2026-01-09. Review status: criteria provided, single submitter. Criteria: Invitae Variant Classification Sherloc (09022015). Collection method: clinical testing. Allele origin: germline.

CeGaT Center for Human Genetics Tuebingen
Classification: Likely benign. Last evaluated: 2022-10-01. Review status: criteria provided, single submitter. Criteria: CeGaT Center For Human Genetics Tuebingen Variant Classification Criteria Version 2. Collection method: clinical testing. Allele origin: germline. Affected: yes. Observed: 1 variant allele.
Comment: CPLANE1: BP4, BP7

Blueprint Genetics
Classification: Likely benign. Last evaluated: 2022-06-24. Review status: criteria provided, single submitter. Criteria: ACMG Guidelines, 2015. Collection method: clinical testing. Allele origin: germline.

Illumina Laboratory Services, Illumina
Classification: Uncertain significance for Joubert syndrome 17. Last evaluated: 2018-01-13. Review status: criteria provided, single submitter. Criteria: ICSL Variant Classification Criteria 13 December 2019. Collection method: clinical testing. Allele origin: germline.